The following is an entry in ClinVar:

NM_016247.4(IMPG2):c.1712C>T (p.Ser571Phe)

Gene: IMPG2 (interphotoreceptor matrix proteoglycan 2; minus strand). Cytogenetic location: 3q12.3.
Variant type: single nucleotide variant.
Coding change: c.1712C>T on transcript NM_016247.4 (MANE Select); coding-DNA position 1712, C replaced by T.
Protein change: p.Ser571Phe; replaces serine 571 with phenylalanine.
Molecular consequence: missense variant.
Genome position (GRCh38, 1-based): chr3:101,244,619, G>A on the plus strand (C>T on the coding strand, the complement: IMPG2 is on the minus strand). VCF-style: chr3-101244619-G-A. GRCh37 (hg19) VCF-style: chr3-100963463-G-A.
Other names: c.1712C>T (NM_016247.3); short protein forms S571F.
Identifiers: ClinVar variation 4963526 (VCV004963526.2).
Genomic context (GRCh38, chr3:101,244,619, plus strand): 5'-ATGGATGCATCTGGCAGGAAAGGGCTCACTTTTAATTGGTCTTTGACTTTGGAGGTCAAG[G>A]AGTCCAAGCCAAAAGGTATAGAAGAGGTCAGATATGGTGAAGATGTTAAGGACACATCAG-3'
Protein context (NP_057331.2, residues 561-581): LTSSIPFGLD[Ser571Phe]LTSKVKDQLK

ClinVar aggregate classification (germline): Uncertain significance. Review status: criteria provided, multiple submitters, no conflicts (2 of 4 stars). 2 submissions from 2 submitters: Uncertain significance (2). Last evaluated 2026-02-02.

Conditions:
IMPG2-related disorder. Also called: IMPG2-related condition.

gnomAD v4.1: 6 of 1,601,626 alleles (0.00037%); highest among the groups gnomAD compares: Middle Eastern, 0.033%; no homozygotes.

Submissions (2):

PreventionGenetics, part of Exact Sciences
Classification: Uncertain significance for IMPG2-related condition. Last evaluated: 2026-02-02. Review status: criteria provided, single submitter. Criteria: ACMG Guidelines, 2015. Collection method: clinical testing. Allele origin: germline.
Comment: The IMPG2 c.1712C>T variant is predicted to result in the amino acid substitution p.Ser571Phe. To our knowledge, this variant has not been reported in the literature or in a large population database (gnomAD), indicating this variant is rare. At this time, the clinical significance of this variant is uncertain due to the absence of conclusive functional and genetic evidence.

Blueprint Genetics
Classification: Uncertain significance. Last evaluated: 2022-03-22. Review status: criteria provided, single submitter. Criteria: ACMG Guidelines, 2015. Collection method: clinical testing. Allele origin: germline.